The following is an entry in ClinVar:

NM_015346.4(ZFYVE26):c.2799C>T (p.Leu933=)

Gene: ZFYVE26 (zinc finger FYVE-type containing 26; minus strand). Cytogenetic location: 14q24.1.
Variant type: single nucleotide variant.
Coding change: c.2799C>T on transcript NM_015346.4 (MANE Select); coding-DNA position 2799, C replaced by T.
Protein change: p.Leu933=; no amino-acid change (leucine 933 retained).
Molecular consequence: synonymous variant.
Genome position (GRCh38, 1-based): chr14:67,789,555, G>A on the plus strand (C>T on the coding strand, the complement: ZFYVE26 is on the minus strand). VCF-style: chr14-67789555-G-A. GRCh37 (hg19) VCF-style: chr14-68256272-G-A.
Other names: p.Leu933=.
Identifiers: ClinVar variation 291237 (VCV000291237.17), dbSNP rs146793500, ClinGen allele CA7240167.
Genomic context (GRCh38, chr14:67,789,555, plus strand): 5'-TAGAGCCGTGCTTATCCAAAAGTCCTCCTGGAGCATGGGGATGGGGTCTCCAGAGGTGTT[G>A]AGCAGCTTGTCAGTCACGTCAGAGATAGAGTAAAACACCATTCCTGGCCGCCCAGCAGAG-3'
Protein context (NP_056161.2, residues 923-943): YSISDVTDKL[Leu933=]NTSGDPIPML

ClinVar aggregate classification (germline): Conflicting classifications of pathogenicity. Review status: criteria provided, conflicting classifications (1 of 4 stars). 4 submissions from 4 submitters: Uncertain significance (1); Likely benign (3). Last evaluated 2025-10-01.

Conditions:
Spastic paraplegia. Identifiers: MedGen C0037772, HP:0001258.

Allele frequency attached by ClinVar (database versions not stated): gnomAD exomes 0.00004 and 0.00011; ExAC 0.00017; TOPMed 0.00036; gnomAD 0.00044 and 0.00046; ESP Exome Variant Server 0.00077.
gnomAD v4.1: 145 of 1,614,154 alleles (0.009%); highest among the groups gnomAD compares: African/African-American, 0.15%; 1 homozygote.

Submissions (4):

Labcorp Genetics (formerly Invitae), Labcorp
Classification: Likely benign for Spastic paraplegia. Last evaluated: 2025-10-01. Review status: criteria provided, single submitter. Criteria: Invitae Variant Classification Sherloc (09022015). Collection method: clinical testing. Allele origin: germline.

Mayo Clinic Laboratories, Mayo Clinic
Classification: Likely benign. Last evaluated: 2025-05-12. Review status: criteria provided, single submitter. Criteria: ACMG Guidelines, 2015. Collection method: clinical testing. Allele origin: germline. Observed: 1 variant allele.
Comment: BS1, BP4, BP7

Blueprint Genetics
Classification: Likely benign. Last evaluated: 2024-02-27. Review status: criteria provided, single submitter. Criteria: ACMG Guidelines, 2015. Collection method: clinical testing. Allele origin: germline.

Eurofins Ntd Llc (ga)
Classification: Uncertain significance. Last evaluated: 2018-04-11. Review status: criteria provided, single submitter. Criteria: EGL ClinVar v180209 classification definitions. Collection method: clinical testing. Allele origin: germline. Observed: 3 variant alleles, 3 heterozygotes.

Literature cited by the submitters: PubMed 32999401 (cited by Mayo Clinic Laboratories, Mayo Clinic).